The following is an entry in ClinVar:

NM_024721.5(ZFHX4):c.4904G>A (p.Gly1635Glu)

Gene: ZFHX4 (zinc finger homeobox 4; plus strand). Cytogenetic location: 8q21.13.
Variant type: single nucleotide variant.
Coding change: c.4904G>A on transcript NM_024721.5 (MANE Select); coding-DNA position 4904, G replaced by A.
Protein change: p.Gly1635Glu; replaces glycine 1635 with glutamic acid.
Molecular consequence: missense variant.
Genome position (GRCh38, 1-based): chr8:76,851,825, G>A. VCF-style: chr8-76851825-G-A. GRCh37 (hg19) VCF-style: chr8-77764061-G-A.
Other names: c.4826G>A, p.Gly1609Glu (NM_001410934.1); short protein forms G1609E, G1635E.
Identifiers: ClinVar variation 4976458 (VCV004976458.1).

ClinVar aggregate classification (germline): Uncertain significance (1 of 4 stars; one submission).

Submission:

GeneDx
Classification: Uncertain significance. Last evaluated: 2026-02-09. Review status: criteria provided, single submitter. Criteria: GeneDx Variant Classification Process June 2021. Collection method: clinical testing. Allele origin: germline.
Comment: Not observed at significant frequency in large population cohorts (gnomAD); In silico analysis supports that this missense variant has a deleterious effect on protein structure/function; Has not been previously published as pathogenic or benign to our knowledge